The following is an entry in ClinVar:

NM_019842.4(KCNQ5):c.666G>C (p.Gln222His)

Gene: KCNQ5 (potassium voltage-gated channel subfamily Q member 5; plus strand). Cytogenetic location: 6q13.
Variant type: single nucleotide variant.
Coding change: c.666G>C on transcript NM_019842.4 (MANE Select); coding-DNA position 666, G replaced by C.
Protein change: p.Gln222His; replaces glutamine 222 with histidine.
Molecular consequence: missense variant.
Genome position (GRCh38, 1-based): chr6:73,077,371, G>C. VCF-style: chr6-73077371-G-C. GRCh37 (hg19) VCF-style: chr6-73787094-G-C.
Other names: c.666G>C, p.Gln222His (NM_001160130.2, NM_001160132.2, NM_001160133.2 and 1 more transcripts); short protein forms Q222H.
Identifiers: ClinVar variation 4851694 (VCV004851694.1).

ClinVar aggregate classification (germline): Uncertain significance (1 of 4 stars; one submission).

gnomAD v4.1: 1 of 1,613,988 alleles (0.000062%); highest among the groups gnomAD compares: African/African-American, 0.0013%; no homozygotes.

Submission:

Greenwood Genetic Center Diagnostic Laboratories, Greenwood Genetic Center
Classification: Uncertain significance. Last evaluated: 2025-02-25. Review status: criteria provided, single submitter. Criteria: ACMG Guidelines, 2015. Collection method: clinical testing. Allele origin: germline.
Comment: PM2, PP2, PP3